The following is an entry in ClinVar:

ClinVar aggregate classification (germline): Uncertain significance. Review status: criteria provided, multiple submitters, no conflicts (2 of 4 stars). 2 submissions from 2 submitters: Uncertain significance (2). Last evaluated 2022-10-17.

Conditions:
Inborn genetic diseases. Identifiers: MedGen C0950123, MeSH D030342.

Allele frequency attached by ClinVar (database versions not stated): gnomAD 0.00001; TOPMed 0.00001; ExAC 0.00002.
gnomAD v4.1: 14 of 1,612,470 alleles (0.00087%); highest among the groups gnomAD compares: Admixed American, 0.005%; no homozygotes.

Submissions (2):

Labcorp Genetics (formerly Invitae), Labcorp
Classification: Uncertain significance. Last evaluated: 2022-10-17. Review status: criteria provided, single submitter. Criteria: Invitae Variant Classification Sherloc (09022015). Collection method: clinical testing. Allele origin: germline.
Comment: This sequence change replaces proline, which is neutral and non-polar, with threonine, which is neutral and polar, at codon 215 of the ADAMTS17 protein (p.Pro215Thr). The frequency data for this variant in the population databases is considered unreliable, as metrics indicate poor data quality at this position in the gnomAD database. This variant has not been reported in the literature in individuals affected with ADAMTS17-related conditions. Algorithms developed to predict the effect of missense changes on protein structure and function output the following: SIFT: "Not Available"; PolyPhen-2: "Benign"; Align-GVGD: "Not Available". The threonine amino acid residue is found in multiple mammalian species, which suggests that this missense change does not adversely affect protein function. In summary, the available evidence is currently insufficient to determine the role of this variant in disease. Therefore, it has been classified as a Variant of Uncertain Significance.

Ambry Genetics
Classification: Uncertain significance for Inborn genetic diseases. Last evaluated: 2022-09-07. Review status: criteria provided, single submitter. Criteria: Ambry Variant Classification Scheme 2023. Collection method: clinical testing. Allele origin: germline.

NM_139057.4(ADAMTS17):c.643C>A (p.Pro215Thr)

Gene: ADAMTS17 (ADAM metallopeptidase with thrombospondin type 1 motif 17; minus strand). Cytogenetic location: 15q26.3.
Variant type: single nucleotide variant.
Coding change: c.643C>A on transcript NM_139057.4 (MANE Select); coding-DNA position 643, C replaced by A.
Protein change: p.Pro215Thr; replaces proline 215 with threonine.
Molecular consequence: missense variant.
Genome position (GRCh38, 1-based): chr15:100,281,375, G>T on the plus strand (C>A on the coding strand, the complement: ADAMTS17 is on the minus strand). VCF-style: chr15-100281375-G-T. GRCh37 (hg19) VCF-style: chr15-100821580-G-T.
Other names: c.643C>A (NM_139057.2); short protein forms P215T.
Identifiers: ClinVar variation 2171881 (VCV002171881.2), dbSNP rs776618280, ClinGen allele CA7758633.